The following is an entry in ClinVar:

ClinVar aggregate classification (germline): Uncertain significance (1 of 4 stars; one submission).

gnomAD v4.1: 24 of 1,614,158 alleles (0.0015%); highest among the groups gnomAD compares: African/African-American, 0.032%; 1 homozygote.

Submission:

Labcorp Genetics (formerly Invitae), Labcorp
Classification: Uncertain significance. Last evaluated: 2025-12-10. Review status: criteria provided, single submitter. Criteria: Invitae Variant Classification Sherloc (09022015). Collection method: clinical testing. Allele origin: germline.
Comment: This sequence change replaces aspartic acid, which is acidic and polar, with histidine, which is basic and polar, at codon 672 of the ROR1 protein (p.Asp672His). This variant is present in population databases (rs550656659, gnomAD 0.05%). This variant has not been reported in the literature in individuals affected with ROR1-related conditions. Invitae Evidence Modeling of protein sequence and biophysical properties (such as structural, functional, and spatial information, amino acid conservation, physicochemical variation, residue mobility, and thermodynamic stability) has been performed for this missense variant. However, the output from this modeling did not meet the statistical confidence thresholds required to predict the impact of this variant on ROR1 protein function. In summary, the available evidence is currently insufficient to determine the role of this variant in disease. Therefore, it has been classified as a Variant of Uncertain Significance.

NM_005012.4(ROR1):c.2014G>C (p.Asp672His)

Gene: ROR1 (receptor tyrosine kinase like orphan receptor 1; plus strand). Cytogenetic location: 1p31.3.
Variant type: single nucleotide variant.
Coding change: c.2014G>C on transcript NM_005012.4 (MANE Select); coding-DNA position 2014, G replaced by C.
Protein change: p.Asp672His; replaces aspartic acid 672 with histidine.
Molecular consequence: missense variant.
Genome position (GRCh38, 1-based): chr1:64,178,055, G>C. VCF-style: chr1-64178055-G-C. GRCh37 (hg19) VCF-style: chr1-64643738-G-C.
Other names: short protein forms D672H.
Identifiers: ClinVar variation 4747631 (VCV004747631.1).